The following is an entry in ClinVar:

NM_014795.4(ZEB2):c.2142G>A (p.Pro714=)

Gene: ZEB2 (zinc finger E-box binding homeobox 2; minus strand). Cytogenetic location: 2q22.3.
Variant type: single nucleotide variant.
Coding change: c.2142G>A on transcript NM_014795.4 (MANE Select); coding-DNA position 2142, G replaced by A.
Protein change: p.Pro714=; no amino-acid change (proline 714 retained).
Molecular consequence: synonymous variant.
Genome position (GRCh38, 1-based): chr2:144,399,045, C>T on the plus strand (G>A on the coding strand, the complement: ZEB2 is on the minus strand). VCF-style: chr2-144399045-C-T. GRCh37 (hg19) VCF-style: chr2-145156612-C-T.
Other names: p.P714P:CCG>CCA; c.2070G>A, p.Pro690= (NM_001171653.2).
Identifiers: ClinVar variation 137948 (VCV000137948.23), dbSNP rs201180901, ClinGen allele CA206989.

ClinVar aggregate classification (germline): Benign/Likely benign. Review status: criteria provided, multiple submitters, no conflicts (2 of 4 stars). 6 submissions from 6 submitters: Benign (4); Likely benign (2). Last evaluated 2026-01-19.

Conditions:
Mowat-Wilson syndrome (MOWS). Also called: Classic Mowat-Wilson Syndrome. Identifiers: Orphanet 2152, MedGen C1856113, MONDO:0009341, OMIM 235730.

Allele frequency attached by ClinVar (database versions not stated): ESP Exome Variant Server 0.00008; gnomAD exomes 0.00021 and 0.00035; gnomAD 0.00023 and 0.00025; ExAC 0.00029; TOPMed 0.00030.
gnomAD v4.1: 365 of 1,613,950 alleles (0.023%); highest among the groups gnomAD compares: Middle Eastern, 0.016%; 1 homozygote.

Submissions (6):

Labcorp Genetics (formerly Invitae), Labcorp
Classification: Benign for Mowat-Wilson syndrome. Last evaluated: 2026-01-19. Review status: criteria provided, single submitter. Criteria: Invitae Variant Classification Sherloc (09022015). Collection method: clinical testing. Allele origin: germline.

Blueprint Genetics
Classification: Likely benign. Last evaluated: 2024-10-03. Review status: criteria provided, single submitter. Criteria: ACMG Guidelines, 2015. Collection method: clinical testing. Allele origin: germline.

Genome-Nilou Lab
Classification: Benign for Mowat-Wilson syndrome. Last evaluated: 2021-11-07. Review status: criteria provided, single submitter. Criteria: ACMG Guidelines, 2015. Collection method: clinical testing. Allele origin: germline. Affected: no.

Eurofins Ntd Llc (ga)
Classification: Likely benign. Last evaluated: 2016-06-30. Review status: criteria provided, single submitter. Criteria: EGL Classification Definitions 2015. Collection method: clinical testing. Allele origin: germline. Observed: 2 variant alleles, 2 heterozygotes.

Genetic Services Laboratory, University of Chicago
Classification: Benign. Last evaluated: 2016-03-30. Review status: criteria provided, single submitter. Criteria: ACMG Guidelines, 2015. Collection method: clinical testing. Allele origin: germline. Affected: no.

GeneDx
Classification: Benign. Last evaluated: 2014-03-13. Review status: criteria provided, single submitter. Criteria: GeneDx Variant Classification (06012015). Collection method: clinical testing. Allele origin: germline. Affected: yes.
Comment: This variant is considered likely benign or benign based on one or more of the following criteria: it is a conservative change, it occurs at a poorly conserved position in the protein, it is predicted to be benign by multiple in silico algorithms, and/or has population frequency not consistent with disease.